The following is an entry in ClinVar:

ClinVar aggregate classification (germline): Conflicting classifications of pathogenicity. Review status: criteria provided, conflicting classifications (1 of 4 stars). 2 submissions from 2 submitters: Likely pathogenic (1); Uncertain significance (1). Last evaluated 2023-10-05.

Conditions:
Glycogen storage disease, type IV (GSD4). Also called: AMYLOPECTINOSIS; ANDERSEN DISEASE; BRANCHER DEFICIENCY; CIRRHOSIS, FAMILIAL, WITH DEPOSITION OF ABNORMAL GLYCOGEN; GBE1 DEFICIENCY; GLYCOGEN BRANCHING ENZYME DEFICIENCY. Identifiers: Orphanet 367, MedGen C0017923, MONDO:0009292, OMIM 232500.

Submissions (2):

GeneDx
Classification: Uncertain significance. Last evaluated: 2023-10-05. Review status: criteria provided, single submitter. Criteria: GeneDx Variant Classification Process June 2021. Collection method: clinical testing. Allele origin: germline. Affected: yes.
Comment: In silico analysis supports that this missense variant has a deleterious effect on protein structure/function; Not observed at significant frequency in large population cohorts (gnomAD); This variant is associated with the following publications: (PMID: 36830903, 31815882)

Baylor Genetics
Classification: Likely pathogenic for Glycogen storage disease, type IV. Last evaluated: 2023-09-24. Review status: criteria provided, single submitter. Criteria: ACMG Guidelines, 2015. Collection method: clinical testing. Allele origin: unknown.

NM_000158.4(GBE1):c.1612T>G (p.Phe538Val)

Gene: GBE1 (1,4-alpha-glucan branching enzyme 1; minus strand). Cytogenetic location: 3p12.2.
Variant type: single nucleotide variant.
Coding change: c.1612T>G on transcript NM_000158.4 (MANE Select); coding-DNA position 1612, T replaced by G.
Protein change: p.Phe538Val; replaces phenylalanine 538 with valine.
Molecular consequence: missense variant.
Genome position (GRCh38, 1-based): chr3:81,577,931, A>C on the plus strand (T>G on the coding strand, the complement: GBE1 is on the minus strand). VCF-style: chr3-81577931-A-C. GRCh37 (hg19) VCF-style: chr3-81627082-A-C.
Other names: c.1612T>G (NM_000158.3); short protein forms F538V.
Identifiers: ClinVar variation 2675849 (VCV002675849.2), dbSNP rs1319283898, ClinGen allele CA353684568.